The following is an entry in ClinVar:

NM_053013.4(ENO3):c.340G>A (p.Val114Met)

Gene: ENO3 (enolase 3; plus strand). Cytogenetic location: 17p13.2.
Variant type: single nucleotide variant.
Coding change: c.340G>A on transcript NM_053013.4 (MANE Select); coding-DNA position 340, G replaced by A.
Protein change: p.Val114Met; replaces valine 114 with methionine.
Molecular consequence: missense variant.
Genome position (GRCh38, 1-based): chr17:4,953,741, G>A. VCF-style: chr17-4953741-G-A. GRCh37 (hg19) VCF-style: chr17-4857036-G-A.
Other names: c.211G>A, p.Val71Met (NM_001193503.2); c.340G>A, p.Val114Met (NM_001374523.1, NM_001976.5); c.367G>A, p.Val123Met (NM_001374524.1); short protein forms V114M, V123M, V71M.
Identifiers: ClinVar variation 1053761 (VCV001053761.8), dbSNP rs761323443, ClinGen allele CA8316270.

ClinVar aggregate classification (germline): Uncertain significance (1 of 4 stars; one submission).

Conditions:
Glycogen storage disease due to muscle beta-enolase deficiency (GSD13). Also called: ENOLASE 3 DEFICIENCY; ENOLASE-BETA DEFICIENCY; GSD XIII; Glycogen Storage Disease Type XIII. Identifiers: Orphanet 99849, MedGen C2752027, MONDO:0013046, OMIM 612932.

Allele frequency attached by ClinVar (database versions not stated): gnomAD exomes 0.00001; TOPMed 0.00001; ExAC 0.00002.
gnomAD v4.1: 11 of 1,614,212 alleles (0.00068%); highest among the groups gnomAD compares: South Asian, 0.0077%; no homozygotes.

Submission:

Labcorp Genetics (formerly Invitae), Labcorp
Classification: Uncertain significance for Glycogen storage disease due to muscle beta-enolase deficiency. Last evaluated: 2020-04-06. Review status: criteria provided, single submitter. Criteria: Invitae Variant Classification Sherloc (09022015). Collection method: clinical testing. Allele origin: germline.
Comment: In summary, the available evidence is currently insufficient to determine the role of this variant in disease. Therefore, it has been classified as a Variant of Uncertain Significance. Algorithms developed to predict the effect of missense changes on protein structure and function are either unavailable or do not agree on the potential impact of this missense change (SIFT: "Deleterious"; PolyPhen-2: "Possibly Damaging"; Align-GVGD: "Class C15"). This variant has not been reported in the literature in individuals with ENO3-related conditions. This variant is present in population databases (rs761323443, ExAC 0.009%). This sequence change replaces valine with methionine at codon 114 of the ENO3 protein (p.Val114Met). The valine residue is highly conserved and there is a small physicochemical difference between valine and methionine.